The following is an entry in ClinVar:

NM_001613.4(ACTA2):c.369+4A>G

Gene: ACTA2 (actin alpha 2, smooth muscle; minus strand). Cytogenetic location: 10q23.31.
Variant type: single nucleotide variant.
Coding change: c.369+4A>G on transcript NM_001613.4 (MANE Select); 4 bases into the intron after coding-DNA position 369, A replaced by G.
Molecular consequence: intron variant.
Genome position (GRCh38, 1-based): chr10:88,943,793, T>C on the plus strand (A>G on the coding strand, the complement: ACTA2 is on the minus strand). VCF-style: chr10-88943793-T-C. GRCh37 (hg19) VCF-style: chr10-90703550-T-C.
Other names: c.240+4A>G (NM_001406467.1, NM_001406468.1, NM_001406469.1); c.369+4A>G (NM_001320855.2, NM_001406462.1, NM_001406471.1 and 3 more transcripts); c.259-1924A>G (NM_001406466.1).
Identifiers: ClinVar variation 3342830 (VCV003342830.1).

ClinVar aggregate classification (germline): Uncertain significance (1 of 4 stars; one submission).

gnomAD v4.1: 2 of 1,610,770 alleles (0.00012%); highest among the groups gnomAD compares: African/African-American, 0.0013%; no homozygotes.

Submission:

GeneDx
Classification: Uncertain significance. Last evaluated: 2023-09-27. Review status: criteria provided, single submitter. Criteria: GeneDx Variant Classification Process June 2021. Collection method: clinical testing. Allele origin: germline. Affected: yes.
Comment: Has not been previously published as pathogenic or benign to our knowledge; Not observed at significant frequency in large population cohorts (gnomAD); In silico analysis supports a deleterious effect on splicing